The following is an entry in ClinVar:

ClinVar aggregate classification (germline): Uncertain significance. Review status: criteria provided, multiple submitters, no conflicts (2 of 4 stars). 3 submissions from 2 submitters: Uncertain significance (3). Last evaluated 2024-05-07.

Conditions:
Brachydactyly type B1 (BDB1). Identifiers: Orphanet 572385, Orphanet 93383, MedGen C1862112, MONDO:0007220, OMIM 113000.
Autosomal recessive Robinow syndrome (RRS1). Also called: COSTOVERTEBRAL SEGMENTATION DEFECT WITH MESOMELIA; COVESDEM SYNDROME; ROR2-Related Robinow Syndrome; ROBINOW SYNDROME, AUTOSOMAL RECESSIVE 1. Identifiers: Orphanet 1507, Orphanet 97360, MedGen C5399974, MONDO:0009999, OMIM 268310.

Allele frequency attached by ClinVar (database versions not stated): gnomAD exomes below 0.00001.
gnomAD v4.1: 2 of 1,614,160 alleles (0.00012%); highest among the groups gnomAD compares: Non-Finnish European, 0.00017%; no homozygotes.

Submissions (3):

Labcorp Genetics (formerly Invitae), Labcorp
Classification: Uncertain significance. Last evaluated: 2024-05-07. Review status: criteria provided, single submitter. Criteria: Invitae Variant Classification Sherloc (09022015). Collection method: clinical testing. Allele origin: germline.
Comment: This sequence change replaces proline, which is neutral and non-polar, with arginine, which is basic and polar, at codon 368 of the ROR2 protein (p.Pro368Arg). This variant is not present in population databases (gnomAD no frequency). This variant has not been reported in the literature in individuals affected with ROR2-related conditions. ClinVar contains an entry for this variant (Variation ID: 913292). Advanced modeling of protein sequence and biophysical properties (such as structural, functional, and spatial information, amino acid conservation, physicochemical variation, residue mobility, and thermodynamic stability) performed at Invitae indicates that this missense variant is expected to disrupt ROR2 protein function with a positive predictive value of 80%. In summary, the available evidence is currently insufficient to determine the role of this variant in disease. Therefore, it has been classified as a Variant of Uncertain Significance.

Illumina Laboratory Services, Illumina
Classification: Uncertain significance for Brachydactyly type B1. Last evaluated: 2018-01-13. Review status: criteria provided, single submitter. Criteria: ICSL Variant Classification Criteria 13 December 2019. Collection method: clinical testing. Allele origin: germline.

Illumina Laboratory Services, Illumina
Classification: Uncertain significance for Autosomal recessive Robinow syndrome. Last evaluated: 2018-01-13. Review status: criteria provided, single submitter. Criteria: ICSL Variant Classification Criteria 13 December 2019. Collection method: clinical testing. Allele origin: germline.

NM_004560.4(ROR2):c.1103C>G (p.Pro368Arg)

Gene: ROR2 (receptor tyrosine kinase like orphan receptor 2; minus strand). Cytogenetic location: 9q22.31.
Variant type: single nucleotide variant.
Coding change: c.1103C>G on transcript NM_004560.4 (MANE Select); coding-DNA position 1103, C replaced by G.
Protein change: p.Pro368Arg; replaces proline 368 with arginine.
Molecular consequence: missense variant.
Genome position (GRCh38, 1-based): chr9:91,730,990, G>C on the plus strand (C>G on the coding strand, the complement: ROR2 is on the minus strand). VCF-style: chr9-91730990-G-C. GRCh37 (hg19) VCF-style: chr9-94493272-G-C.
Other names: c.1103C>G, p.Pro368Arg (NM_001318204.2); short protein forms P368R.
Identifiers: ClinVar variation 913292 (VCV000913292.6), dbSNP rs1716064320, ClinGen allele CA373800033.